The following is an entry in ClinVar:

NM_177438.3(DICER1):c.4945A>T (p.Met1649Leu)

Gene: DICER1 (dicer 1, ribonuclease III; minus strand). Cytogenetic location: 14q32.13.
Variant type: single nucleotide variant.
Coding change: c.4945A>T on transcript NM_177438.3 (MANE Select); coding-DNA position 4945, A replaced by T.
Protein change: p.Met1649Leu; replaces methionine 1649 with leucine.
Molecular consequence: missense variant. On other transcripts: non-coding transcript variant (6).
Genome position (GRCh38, 1-based): chr14:95,095,975, T>A on the plus strand (A>T on the coding strand, the complement: DICER1 is on the minus strand). VCF-style: chr14-95095975-T-A. GRCh37 (hg19) VCF-style: chr14-95562312-T-A.
Other names: c.4945A>T, p.Met1649Leu (NM_001195573.1, NM_001271282.3, NM_001291628.2 and 12 more transcripts); c.4663A>T, p.Met1555Leu (NM_001395686.1); c.4540A>T, p.Met1514Leu (NM_001395687.1, NM_001395688.1, NM_001395689.1 and 2 more transcripts); c.4378A>T, p.Met1460Leu (NM_001395691.1); c.3262A>T, p.Met1088Leu (NM_001395697.1); short protein forms M1088L, M1460L, M1514L, M1555L, M1649L.
Identifiers: ClinVar variation 4533173 (VCV004533173.2).

ClinVar aggregate classification (germline): Uncertain significance. Review status: criteria provided, multiple submitters, no conflicts (2 of 4 stars). 2 submissions from 2 submitters: Uncertain significance (2). Last evaluated 2025-12-22.

Conditions:
Hereditary cancer-predisposing syndrome. Also called: Neoplastic Syndromes, Hereditary; Tumor predisposition; Hereditary Cancer Syndrome; Hereditary neoplastic syndrome. Identifiers: Orphanet 140162, MedGen C0027672, MeSH D009386, MONDO:0015356.

Submissions (2):

Ambry Genetics
Classification: Uncertain significance for Hereditary cancer-predisposing syndrome. Last evaluated: 2025-12-22. Review status: criteria provided, single submitter. Criteria: Ambry Variant Classification Scheme 2023. Collection method: clinical testing. Allele origin: germline.
Comment: The p.M1649L variant (also known as c.4945A>T), located in coding exon 22 of the DICER1 gene, results from an A to T substitution at nucleotide position 4945. The methionine at codon 1649 is replaced by leucine, an amino acid with highly similar properties. This amino acid position is conserved. In addition, the in silico prediction for this alteration is inconclusive. Based on the available evidence, the clinical significance of this variant remains unclear.

Quest Diagnostics Nichols Institute San Juan Capistrano
Classification: Uncertain significance. Last evaluated: 2024-12-12. Review status: criteria provided, single submitter. Criteria: Quest Diagnostics criteria. Collection method: clinical testing. Allele origin: unknown.
Comment: The DICER1 c.4945A>T (p.Met1649Leu) variant has not been reported in individuals with DICER1-related conditions in the published literature. It also has not been reported in large, multi-ethnic general populations (Genome Aggregation Database). Analysis of this variant using bioinformatics tools for the prediction of the effect of amino acid changes on protein structure and function yielded predictions that this variant is benign. Based on the available information, we are unable to determine the clinical significance of this variant.